The following is an entry in ClinVar:

NM_001039591.3(USP9X):c.4820A>G (p.Asn1607Ser)

Gene: USP9X (ubiquitin specific peptidase 9 X-linked; plus strand). Cytogenetic location: Xp11.4.
Variant type: single nucleotide variant.
Coding change: c.4820A>G on transcript NM_001039591.3 (MANE Select); coding-DNA position 4820, A replaced by G.
Protein change: p.Asn1607Ser; replaces asparagine 1607 with serine.
Molecular consequence: missense variant.
Genome position (GRCh38, 1-based): chrX:41,201,276, A>G. VCF-style: chrX-41201276-A-G. GRCh37 (hg19) VCF-style: chrX-41060529-A-G.
Other names: NC_000023.10:g.41060529A>G; c.4820A>G, p.Asn1607Ser (NM_001039590.3); short protein forms N1607S.
Identifiers: ClinVar variation 1202697 (VCV001202697.5), dbSNP rs773181993, ClinGen allele CA10388930.

ClinVar aggregate classification (germline): Likely benign. Review status: criteria provided, multiple submitters, no conflicts (2 of 4 stars). 2 submissions from 2 submitters: Likely benign (2). Last evaluated 2026-09-09.

Conditions:
USP9X-related disorder. Also called: USP9X-related condition.

Allele frequency attached by ClinVar (database versions not stated): ExAC 0.00002; gnomAD 0.00003 and 0.00004; TOPMed 0.00003; gnomAD exomes 0.00005 and 0.00006.
gnomAD v4.1: 66 of 1,204,022 alleles (0.0055%); highest among the groups gnomAD compares: Non-Finnish European, 0.0048%; no homozygotes.

Submissions (3):

PreventionGenetics, part of Exact Sciences
Classification: Likely benign for USP9X-related condition. Last evaluated: 2026-09-09. Review status: criteria provided, single submitter. Criteria: ACMG Guidelines, 2015. Collection method: clinical testing. Allele origin: germline.
Comment: This variant is classified as likely benign based on ACMG/AMP sequence variant interpretation guidelines (Richards et al. 2015 PMID: 25741868, with internal and published modifications).

GeneDx
Classification: Likely benign. Last evaluated: 2020-10-02. Review status: criteria provided, single submitter. Criteria: GeneDx Variant Classification Process June 2021. Collection method: clinical testing. Allele origin: germline. Affected: yes.

Dr. Peter K. Rogan Lab, Western University
No classification provided (evidence only). Condition: Melanoma. Review status: no classification provided. Collection method: in vitro. Allele origin: not applicable. Functional consequence: skipped exon, retained intron. Not counted in ClinVar's aggregate classification.